The following is an entry in ClinVar:

NM_004415.4(DSP):c.8128G>A (p.Ala2710Thr)

Gene: DSP (desmoplakin; plus strand). Cytogenetic location: 6p24.3.
Variant type: single nucleotide variant.
Coding change: c.8128G>A on transcript NM_004415.4 (MANE Select); coding-DNA position 8128, G replaced by A.
Protein change: p.Ala2710Thr; replaces alanine 2710 with threonine.
Molecular consequence: missense variant.
Genome position (GRCh38, 1-based): chr6:7,585,390, G>A. VCF-style: chr6-7585390-G-A. GRCh37 (hg19) VCF-style: chr6-7585623-G-A.
Other names: c.6331G>A, p.Ala2111Thr (NM_001008844.3); c.6799G>A, p.Ala2267Thr (NM_001319034.2); short protein forms A2111T, A2267T, A2710T.
Identifiers: ClinVar variation 3070732 (VCV003070732.1), dbSNP rs1561705003, ClinGen allele CA362694497.
Genomic context (GRCh38, chr6:7,585,390, plus strand): 5'-CCTGCTCAGAAAGCCTTCATAGGCTTCGAGGGTGTGAAGGGAAAGAAGAAGATGTCAGCA[G>A]CAGAGGCAGTGAAAGAAAAATGGCTCCCGTATGAGGCTGGCCAGCGCTTCCTGGAGTTCC-3'
Protein context (NP_004406.2, residues 2700-2720): GVKGKKKMSA[Ala2710Thr]EAVKEKWLPY

ClinVar aggregate classification (germline): Uncertain significance (1 of 4 stars; one submission).

Conditions:
Arrhythmogenic cardiomyopathy with wooly hair and keratoderma. Also called: PALMOPLANTAR KERATODERMA WITH LEFT VENTRICULAR CARDIOMYOPATHY AND WOOLLY HAIR; Carvajal syndrome; Dilated cardiomyopathy with woolly hair and keratoderma; Arrhythmogenic cardiomyopathy with woolly hair and keratoderma. Identifiers: Orphanet 65282, MedGen C1854063, MONDO:0011581, OMIM 605676.

gnomAD v4.1: 1 of 1,614,170 alleles (0.000062%); highest among the groups gnomAD compares: Non-Finnish European, 0.000085%; no homozygotes.

Submission:

All of Us Research Program, National Institutes of Health
Classification: Uncertain significance for Arrhythmogenic cardiomyopathy with wooly hair and keratoderma. Last evaluated: 2023-05-04. Review status: criteria provided, single submitter. Criteria: ACMG Guidelines, 2015. Collection method: clinical testing. Allele origin: germline. Inheritance: Autosomal dominant inheritance. Observed: 1 variant allele, 1 heterozygote.
Comment: This missense variant replaces alanine with threonine at codon 2710 of the DSP protein. Computational prediction suggests that this variant may not impact protein structure and function (internally defined REVEL score threshold <= 0.5, PMID: 27666373). To our knowledge, functional studies have not been reported for this variant. This variant has not been reported in individuals affected with DSP-related disorders in the literature. This variant has not been identified in the general population by the Genome Aggregation Database (gnomAD). The available evidence is insufficient to determine the role of this variant in disease conclusively. Therefore, this variant is classified as a Variant of Uncertain Significance.

This study involves interpretation of variants in research participants for the purpose of population health screening. Participant phenotype was not available at the time of variant classification. Additional details can be found in publication PMID: 35346344, PMCID: PMC8962531